The following is an entry in ClinVar:

NM_001130438.3(SPTAN1):c.4905+20G>A

Gene: SPTAN1 (spectrin alpha, non-erythrocytic 1; plus strand). Cytogenetic location: 9q34.11.
Variant type: single nucleotide variant.
Coding change: c.4905+20G>A on transcript NM_001130438.3 (MANE Select); 20 bases into the intron after coding-DNA position 4905, G replaced by A.
Molecular consequence: intron variant.
Genome position (GRCh38, 1-based): chr9:128,611,865, G>A. VCF-style: chr9-128611865-G-A. GRCh37 (hg19) VCF-style: chr9-131374144-G-A.
Other names: c.4905+20G>A (NM_001363759.2); c.4890+20G>A (NM_003127.4); c.4845+20G>A (NM_001363765.2); c.4830+20G>A (NM_001195532.2).
Identifiers: ClinVar variation 139293 (VCV000139293.10), dbSNP rs200959763, ClinGen allele CA293737.
Genomic context (GRCh38, chr9:128,611,865, plus strand): 5'-TTGAACGTGGAGCCTGTGCCGGCAGTGAGGATGCTGTCAAGGTATGGCCCACCAGCTCCC[G>A]GTGCCCAGGGAGGAAGATGACCACCGTCACTGTCAACCTGATATAATAACTTGGACATAC-3'

ClinVar aggregate classification (germline): Benign. Review status: criteria provided, multiple submitters, no conflicts (2 of 4 stars). 2 submissions from 2 submitters: Benign (2). Last evaluated 2026-01-21.

Conditions:
Early-infantile DEE. Also called: Ohtahara syndrome; Early infantile epileptic encephalopathy with suppression bursts; Early infantile epileptic encephalopathy. Identifiers: Orphanet 1934, MedGen C0393706, MONDO:0800491.

Allele frequency attached by ClinVar (database versions not stated): TOPMed 0.00023; gnomAD 0.00075 and 0.00009; 1000 Genomes Project 0.00280; ESP Exome Variant Server 0.00008; gnomAD exomes 0.00239 and 0.00118; ExAC 0.00245; 1000 Genomes Project 30x 0.00265.
gnomAD v4.1: 1,852 of 1,614,022 alleles (0.11%); highest among the groups gnomAD compares: South Asian, 1.9%; 30 homozygotes.

Submissions (2):

Labcorp Genetics (formerly Invitae), Labcorp
Classification: Benign for Early-infantile DEE. Last evaluated: 2026-01-21. Review status: criteria provided, single submitter. Criteria: Invitae Variant Classification Sherloc (09022015). Collection method: clinical testing. Allele origin: germline.

GeneDx
Classification: Benign. Last evaluated: 2013-11-12. Review status: criteria provided, single submitter. Criteria: GeneDx Variant Classification (06012015). Collection method: clinical testing. Allele origin: germline. Affected: yes.
Comment: This variant is considered likely benign or benign based on one or more of the following criteria: it is a conservative change, it occurs at a poorly conserved position in the protein, it is predicted to be benign by multiple in silico algorithms, and/or has population frequency not consistent with disease.